The following is an entry in ClinVar:

ClinVar aggregate classification (germline): Likely benign (0 of 4 stars; one submission).

Conditions:
TNPO1-related disorder. Also called: TNPO1-related condition.

Allele frequency attached by ClinVar (database versions not stated): gnomAD exomes 0.00001; ExAC 0.00002; TOPMed 0.00003.
gnomAD v4.1: 25 of 1,611,790 alleles (0.0016%); highest among the groups gnomAD compares: Admixed American, 0.0067%; no homozygotes.

Submission:

PreventionGenetics, part of Exact Sciences
Classification: Likely benign for TNPO1-related condition. Last evaluated: 2019-05-28. Review status: no assertion criteria provided. Collection method: clinical testing. Allele origin: germline.
Comment: This variant is classified as likely benign based on ACMG/AMP sequence variant interpretation guidelines (Richards et al. 2015 PMID: 25741868, with internal and published modifications).

NM_002270.4(TNPO1):c.477C>T (p.Ala159=)

Gene: TNPO1 (transportin 1; plus strand). Cytogenetic location: 5q13.2.
Variant type: single nucleotide variant.
Coding change: c.477C>T on transcript NM_002270.4 (MANE Select); coding-DNA position 477, C replaced by T.
Protein change: p.Ala159=; no amino-acid change (alanine 159 retained).
Molecular consequence: synonymous variant.
Genome position (GRCh38, 1-based): chr5:72,865,610, C>T. VCF-style: chr5-72865610-C-T. GRCh37 (hg19) VCF-style: chr5-72161437-C-T.
Other names: c.453C>T, p.Ala151= (NM_001364292.3, NM_001364293.3, NM_001364294.3 and 2 more transcripts); c.327C>T, p.Ala109= (NM_001364295.3).
Identifiers: ClinVar variation 3038538 (VCV003038538.2), dbSNP rs766283408, ClinGen allele CA3301266.